The following is an entry in ClinVar:

NM_006231.4(POLE):c.1533C>G (p.His511Gln)

Gene: POLE (DNA polymerase epsilon, catalytic subunit; minus strand). Cytogenetic location: 12q24.33.
Variant type: single nucleotide variant.
Coding change: c.1533C>G on transcript NM_006231.4 (MANE Select); coding-DNA position 1533, C replaced by G.
Protein change: p.His511Gln; replaces histidine 511 with glutamine.
Molecular consequence: missense variant.
Genome position (GRCh38, 1-based): chr12:132,672,780, G>C on the plus strand (C>G on the coding strand, the complement: POLE is on the minus strand). VCF-style: chr12-132672780-G-C. GRCh37 (hg19) VCF-style: chr12-133249366-G-C.
Other names: c.1533C>G (NM_006231.2); short protein forms H511Q.
Identifiers: ClinVar variation 1480167 (VCV001480167.7), dbSNP rs545378475, ClinGen allele CA387357335.

ClinVar aggregate classification (germline): Uncertain significance. Review status: criteria provided, multiple submitters, no conflicts (2 of 4 stars). 2 submissions from 2 submitters: Uncertain significance (2). Last evaluated 2025-09-14.

Conditions:
Hereditary cancer-predisposing syndrome. Also called: Tumor predisposition; Hereditary Cancer Syndrome; Hereditary neoplastic syndrome; Neoplastic Syndromes, Hereditary. Identifiers: Orphanet 140162, MedGen C0027672, MeSH D009386, MONDO:0015356.

Submissions (2):

Labcorp Genetics (formerly Invitae), Labcorp
Classification: Uncertain significance. Last evaluated: 2025-09-14. Review status: criteria provided, single submitter. Criteria: Invitae Variant Classification Sherloc (09022015). Collection method: clinical testing. Allele origin: germline.
Comment: This sequence change replaces histidine, which is basic and polar, with glutamine, which is neutral and polar, at codon 511 of the POLE protein (p.His511Gln). This variant is not present in population databases (gnomAD no frequency). This variant has not been reported in the literature in individuals affected with POLE-related conditions. ClinVar contains an entry for this variant (Variation ID: 1480167). Invitae Evidence Modeling of protein sequence and biophysical properties (such as structural, functional, and spatial information, amino acid conservation, physicochemical variation, residue mobility, and thermodynamic stability) indicates that this missense variant is not expected to disrupt POLE protein function with a negative predictive value of 80%. In summary, the available evidence is currently insufficient to determine the role of this variant in disease. Therefore, it has been classified as a Variant of Uncertain Significance.

Ambry Genetics
Classification: Uncertain significance for Hereditary cancer-predisposing syndrome. Last evaluated: 2023-05-21. Review status: criteria provided, single submitter. Criteria: Ambry Variant Classification Scheme 2023. Collection method: clinical testing. Allele origin: germline.
Comment: The p.H511Q variant (also known as c.1533C>G), located in coding exon 15 of the POLE gene, results from a C to G substitution at nucleotide position 1533. The histidine at codon 511 is replaced by glutamine, an amino acid with highly similar properties. This amino acid position is conserved. In addition, the in silico prediction for this alteration is inconclusive. Since supporting evidence is limited at this time, the clinical significance of this alteration remains unclear.